The following is an entry in ClinVar:

ClinVar aggregate classification (germline): Pathogenic (1 of 4 stars; one submission).

Submission:

Labcorp Genetics (formerly Invitae), Labcorp
Classification: Pathogenic. Last evaluated: 2023-07-15. Review status: criteria provided, single submitter. Criteria: Invitae Variant Classification Sherloc (09022015). Collection method: clinical testing. Allele origin: germline.
Comment: For these reasons, this variant has been classified as Pathogenic. This variant has not been reported in the literature in individuals affected with GALNT3-related conditions. This variant is not present in population databases (gnomAD no frequency). This sequence change creates a premature translational stop signal (p.Phe314Leufs*79) in the GALNT3 gene. It is expected to result in an absent or disrupted protein product. Loss-of-function variants in GALNT3 are known to be pathogenic (PMID: 15133511, 20358599).

Literature cited by the submitters: PubMed 15133511; PubMed 20358599.

NM_004482.4(GALNT3):c.942del (p.Phe314fs)

Gene: GALNT3 (polypeptide N-acetylgalactosaminyltransferase 3; minus strand). Cytogenetic location: 2q24.3.
Variant type: Deletion.
Coding change: c.942del on transcript NM_004482.4 (MANE Select); coding-DNA position 942, one base deleted (T; older notation c.942delT).
Protein change: p.Phe314fs; shifts the reading frame from phenylalanine 314.
Molecular consequence: frameshift variant.
Genome position (GRCh38, 1-based): chr2:165,759,467, A deleted on the plus strand (T on the coding strand, the reverse complement: GALNT3 is on the minus strand); the first of 3 consecutive A bases (chr2:165,759,467-165,759,469); deleting any one gives the same sequence. VCF-style (leftmost placement, unchanged base first): chr2-165759466-CA-C. GRCh37 (hg19) VCF-style: chr2-166615976-CA-C.
Other names: short protein forms F314fs.
Identifiers: ClinVar variation 2993510 (VCV002993510.3), dbSNP rs2467871068, ClinGen allele CA2740095823.